The following is an entry in ClinVar:

ClinVar aggregate classification (germline): Uncertain significance. Review status: criteria provided, multiple submitters, no conflicts (2 of 4 stars). 2 submissions from 2 submitters: Uncertain significance (2). Last evaluated 2024-08-06.

Conditions:
Singleton-Merten syndrome 1 (SGMRT1). Also called: Widened medullary cavities of bone, aortic calcification, abnormal dentition, and muscular weakness; Syndrome of widened medullary cavities of the metacarpals and phalanges, aortic calcification and abnormal dentition. Identifiers: Orphanet 85191, MedGen C4225427, MONDO:0024535, OMIM 182250.
Aicardi-Goutieres syndrome 7 (AGS7). Identifiers: Orphanet 51, MedGen C3888244, MONDO:0014367, OMIM 615846.

Submissions (2):

Labcorp Genetics (formerly Invitae), Labcorp
Classification: Uncertain significance for Aicardi-Goutieres syndrome 7; Singleton-Merten syndrome 1. Last evaluated: 2024-08-06. Review status: criteria provided, single submitter. Criteria: Invitae Variant Classification Sherloc (09022015). Collection method: clinical testing. Allele origin: germline.
Comment: This sequence change replaces asparagine, which is neutral and polar, with serine, which is neutral and polar, at codon 324 of the IFIH1 protein (p.Asn324Ser). This variant is not present in population databases (gnomAD no frequency). This variant has not been reported in the literature in individuals affected with IFIH1-related conditions. ClinVar contains an entry for this variant (Variation ID: 1176397). Advanced modeling of protein sequence and biophysical properties (such as structural, functional, and spatial information, amino acid conservation, physicochemical variation, residue mobility, and thermodynamic stability) has been performed at Invitae for this missense variant, however the output from this modeling did not meet the statistical confidence thresholds required to predict the impact of this variant on IFIH1 protein function. In summary, the available evidence is currently insufficient to determine the role of this variant in disease. Therefore, it has been classified as a Variant of Uncertain Significance.

CeGaT Center for Human Genetics Tuebingen
Classification: Uncertain significance. Last evaluated: 2021-04-01. Review status: criteria provided, single submitter. Criteria: CeGaT Center For Human Genetics Tuebingen Variant Classification Criteria Version 2. Collection method: clinical testing. Allele origin: germline. Affected: yes. Observed: 2 variant alleles.

NM_022168.4(IFIH1):c.971A>G (p.Asn324Ser)

Gene: IFIH1 (interferon induced with helicase C domain 1; minus strand). Cytogenetic location: 2q24.2.
Variant type: single nucleotide variant.
Coding change: c.971A>G on transcript NM_022168.4 (MANE Select); coding-DNA position 971, A replaced by G.
Protein change: p.Asn324Ser; replaces asparagine 324 with serine.
Molecular consequence: missense variant.
Genome position (GRCh38, 1-based): chr2:162,288,259, T>C on the plus strand (A>G on the coding strand, the complement: IFIH1 is on the minus strand). VCF-style: chr2-162288259-T-C. GRCh37 (hg19) VCF-style: chr2-163144769-T-C.
Other names: short protein forms N324S.
Identifiers: ClinVar variation 1176397 (VCV001176397.40), dbSNP rs2105209017, ClinGen allele CA349004792.